The following is an entry in ClinVar:

ClinVar aggregate classification (germline): Uncertain significance. Review status: criteria provided, multiple submitters, no conflicts (2 of 4 stars). 2 submissions from 2 submitters: Uncertain significance (2). Last evaluated 2022-11-07.

Allele frequency attached by ClinVar (database versions not stated): gnomAD exomes below 0.00001.
gnomAD v4.1: 2 of 1,460,888 alleles (0.00014%); highest among the groups gnomAD compares: Non-Finnish European, 0.00018%; no homozygotes.

Submissions (2):

GeneDx
Classification: Uncertain significance. Last evaluated: 2022-11-07. Review status: criteria provided, single submitter. Criteria: GeneDx Variant Classification Process June 2021. Collection method: clinical testing. Allele origin: germline. Affected: yes.
Comment: Not observed at significant frequency in large population cohorts (gnomAD); Has not been previously published as pathogenic or benign to our knowledge

Athena Diagnostics
Classification: Uncertain significance. Last evaluated: 2022-04-20. Review status: criteria provided, single submitter. Criteria: Athena Diagnostics Criteria. Collection method: clinical testing. Allele origin: unknown.

NM_001127222.2(CACNA1A):c.7282G>A (p.Glu2428Lys)

Gene: CACNA1A (calcium voltage-gated channel subunit alpha1 A; minus strand). Cytogenetic location: 19p13.13.
Variant type: single nucleotide variant.
Coding change: c.7282G>A on transcript NM_001127222.2 (MANE Select); coding-DNA position 7282, G replaced by A.
Protein change: p.Glu2428Lys; replaces glutamic acid 2428 with lysine.
Molecular consequence: missense variant. On other transcripts: 3 prime UTR variant (3).
Genome position (GRCh38, 1-based): chr19:13,207,552, C>T on the plus strand (G>A on the coding strand, the complement: CACNA1A is on the minus strand). VCF-style: chr19-13207552-C-T. GRCh37 (hg19) VCF-style: chr19-13318366-C-T.
Other names: c.*494G>A (NM_000068.4, NM_001127221.2, NM_001174080.2); c.7300G>A, p.Glu2434Lys (NM_023035.3); short protein forms E2428K, E2434K.
Identifiers: ClinVar variation 1807107 (VCV001807107.2), dbSNP rs2512505872, ClinGen allele CA404327411.